The following is an entry in ClinVar:

ClinVar aggregate classification (germline): Uncertain significance (1 of 4 stars; one submission).

Allele frequency attached by ClinVar (database versions not stated): ExAC 0.00001; gnomAD 0.00002; TOPMed 0.00002.
gnomAD v4.1: 16 of 1,614,008 alleles (0.00099%); highest among the groups gnomAD compares: Admixed American, 0.0067%; no homozygotes.

Submission:

Labcorp Genetics (formerly Invitae), Labcorp
Classification: Uncertain significance. Last evaluated: 2022-03-12. Review status: criteria provided, single submitter. Criteria: Invitae Variant Classification Sherloc (09022015). Collection method: clinical testing. Allele origin: germline.
Comment: In summary, the available evidence is currently insufficient to determine the role of this variant in disease. Therefore, it has been classified as a Variant of Uncertain Significance. This sequence change replaces alanine, which is neutral and non-polar, with serine, which is neutral and polar, at codon 815 of the ADAMTS18 protein (p.Ala815Ser). This variant is present in population databases (rs746386082, gnomAD 0.006%). This variant has not been reported in the literature in individuals affected with ADAMTS18-related conditions. Algorithms developed to predict the effect of missense changes on protein structure and function output the following: SIFT: "Not Available"; PolyPhen-2: "Benign"; Align-GVGD: "Not Available". The serine amino acid residue is found in multiple mammalian species, which suggests that this missense change does not adversely affect protein function.

NM_199355.4(ADAMTS18):c.2443G>T (p.Ala815Ser)

Gene: ADAMTS18 (ADAM metallopeptidase with thrombospondin type 1 motif 18; minus strand). Cytogenetic location: 16q23.1.
Variant type: single nucleotide variant.
Coding change: c.2443G>T on transcript NM_199355.4 (MANE Select); coding-DNA position 2443, G replaced by T.
Protein change: p.Ala815Ser; replaces alanine 815 with serine.
Molecular consequence: missense variant.
Genome position (GRCh38, 1-based): chr16:77,319,938, C>A on the plus strand (G>T on the coding strand, the complement: ADAMTS18 is on the minus strand). VCF-style: chr16-77319938-C-A. GRCh37 (hg19) VCF-style: chr16-77353835-C-A.
Other names: c.1927G>T, p.Ala643Ser (NM_001326358.2); short protein forms A643S, A815S.
Identifiers: ClinVar variation 2074729 (VCV002074729.3), dbSNP rs746386082, ClinGen allele CA8180908.
Genomic context (GRCh38, chr16:77,319,938, plus strand): 5'-CTGGCGCGTACAGACGTTCCGGGCGGTTGAAAGAGCGCTGGTATTCAAACGTGGTCCCAG[C>A]GAAGGGGAACTCCCCAGGCCAGTCGATGCTCCAGCCCCCGGTGAGGTAATACTTTTGACT-3'
Protein context (NP_955387.1, residues 805-825): SIDWPGEFPF[Ala815Ser]GTTFEYQRSF